The following is an entry in ClinVar:

NM_033380.3(COL4A5):c.4342G>T (p.Gly1448Cys)

Gene: COL4A5 (collagen type IV alpha 5 chain; plus strand). Cytogenetic location: Xq22.3.
Variant type: single nucleotide variant.
Coding change: c.4342G>T on transcript NM_033380.3 (MANE Select); coding-DNA position 4342, G replaced by T.
Protein change: p.Gly1448Cys; replaces glycine 1448 with cysteine.
Molecular consequence: missense variant.
Genome position (GRCh38, 1-based): chrX:108,687,508, G>T. VCF-style: chrX-108687508-G-T. GRCh37 (hg19) VCF-style: chrX-107930738-G-T.
Other names: c.4324G>T, p.Gly1442Cys (NM_000495.5); short protein forms G1442C, G1448C.
Identifiers: ClinVar variation 2633972 (VCV002633972.1), dbSNP rs104886276, ClinGen allele CA413853986.

ClinVar aggregate classification (germline): Likely pathogenic (1 of 4 stars; one submission).

Conditions:
COL4A5-related disorder. Also called: COL4A5-related condition.

Submission:

PreventionGenetics, part of Exact Sciences
Classification: Likely pathogenic for COL4A5-related condition. Last evaluated: 2023-10-03. Review status: criteria provided, single submitter. Criteria: ACMG Guidelines, 2015. Collection method: clinical testing. Allele origin: germline.
Comment: The COL4A5 c.4324G>T variant is predicted to result in the amino acid substitution p.Gly1442Cys. The p.Gly1442 residue resides in the triple-helical region (residues 42 – 1456) of the COL4A5 protein. The majority of pathogenic variants in COL4A5 substitute a glycine residue to a bulkier amino acid in the triple-helical domain (Hudson et al. 1993. PubMed ID: 8253711). Other amino acid substitutions at this position (p.Gly1442Arg, p.Gly1442Ser, p.Gly1442Asp) have been reported in individuals with COL4A5-related disorders (eg. King et al 2006. PubMed ID: 16941480; Boeckhaus et al 2021. PubMed ID: 33040356; Plant et al 1999. PubMed ID: 10094548). To our knowledge, this variant has not been reported in the literature or in a large population database, indicating this variant is rare. This variant is interpreted as likely pathogenic.